The following is an entry in ClinVar:

ClinVar aggregate classification (germline): Uncertain significance (1 of 4 stars; one submission).

Conditions:
Hereditary spastic paraplegia 3A (SPG3A). Also called: Spastic paraplegia 3A, autosomal dominant; SPASTIC PARAPLEGIA 3, AUTOSOMAL DOMINANT; FAMILIAL SPASTIC PARAPLEGIA, AUTOSOMAL DOMINANT, 1; SPG3; STRUMPELL DISEASE; Spastic Paraplegia 3A. Identifiers: Orphanet 100984, MedGen C2931355, MONDO:0008437, OMIM 182600.

Allele frequency attached by ClinVar (database versions not stated): gnomAD 0.00001; gnomAD exomes 0.00001; ExAC 0.00002; TOPMed 0.00002.
gnomAD v4.1: 6 of 1,613,880 alleles (0.00037%); highest among the groups gnomAD compares: Admixed American, 0.01%; no homozygotes.

Submission:

Labcorp Genetics (formerly Invitae), Labcorp
Classification: Uncertain significance for Hereditary spastic paraplegia 3A. Last evaluated: 2025-10-26. Review status: criteria provided, single submitter. Criteria: Invitae Variant Classification Sherloc (09022015). Collection method: clinical testing. Allele origin: germline.
Comment: This sequence change replaces asparagine, which is neutral and polar, with serine, which is neutral and polar, at codon 9 of the ATL1 protein (p.Asn9Ser). This variant is present in population databases (rs767429611, gnomAD 0.01%). This variant has not been reported in the literature in individuals affected with ATL1-related conditions. ClinVar contains an entry for this variant (Variation ID: 2969762). Invitae Evidence Modeling of protein sequence and biophysical properties (such as structural, functional, and spatial information, amino acid conservation, physicochemical variation, residue mobility, and thermodynamic stability) has been performed for this missense variant. However, the output from this modeling did not meet the statistical confidence thresholds required to predict the impact of this variant on ATL1 protein function. In summary, the available evidence is currently insufficient to determine the role of this variant in disease. Therefore, it has been classified as a Variant of Uncertain Significance.

NM_015915.5(ATL1):c.26A>G (p.Asn9Ser)

Genes: ATL1 (atlastin GTPase 1; plus strand), MAP4K5 (mitogen-activated protein kinase kinase kinase kinase 5; minus strand). Cytogenetic location: 14q22.1.
Variant type: single nucleotide variant.
Coding change: c.26A>G on transcript NM_015915.5 (MANE Select); coding-DNA position 26, A replaced by G.
Protein change: p.Asn9Ser; replaces asparagine 9 with serine.
Molecular consequence: missense variant.
Genome position (GRCh38, 1-based): chr14:50,560,291, A>G. VCF-style: chr14-50560291-A-G. GRCh37 (hg19) VCF-style: chr14-51027009-A-G.
Other names: c.26A>G, p.Asn9Ser (NM_001127713.1, NM_181598.4); short protein forms N9S.
Identifiers: ClinVar variation 2969762 (VCV002969762.3), dbSNP rs767429611, ClinGen allele CA7180145.